The following is an entry in ClinVar:

ClinVar aggregate classification (germline): Uncertain significance. Review status: criteria provided, multiple submitters, no conflicts (2 of 4 stars). 2 submissions from 2 submitters: Uncertain significance (2). Last evaluated 2025-02-08.

Allele frequency attached by ClinVar (database versions not stated): gnomAD 0.00002; TOPMed 0.00003; gnomAD exomes 0.00004.

Submissions (2):

Ambry Genetics
Classification: Uncertain significance. Last evaluated: 2025-02-08. Review status: criteria provided, single submitter. Criteria: Ambry Variant Classification Scheme 2023. Collection method: clinical testing. Allele origin: germline.

Labcorp Genetics (formerly Invitae), Labcorp
Classification: Uncertain significance. Last evaluated: 2023-03-30. Review status: criteria provided, single submitter. Criteria: Invitae Variant Classification Sherloc (09022015). Collection method: clinical testing. Allele origin: germline.
Comment: This variant is present in population databases (no rsID available, gnomAD 0.003%). This variant has not been reported in the literature in individuals affected with ZNF143-related conditions. This sequence change replaces alanine, which is neutral and non-polar, with valine, which is neutral and non-polar, at codon 452 of the ZNF143 protein (p.Ala452Val). ClinVar contains an entry for this variant (Variation ID: 2206084). An algorithm developed to predict the effect of missense changes on protein structure and function (PolyPhen-2) suggests that this variant is likely to be tolerated. In summary, the available evidence is currently insufficient to determine the role of this variant in disease. Therefore, it has been classified as a Variant of Uncertain Significance.

NM_003442.6(ZNF143):c.1355C>T (p.Ala452Val)

Gene: ZNF143 (zinc finger protein 143; plus strand). Cytogenetic location: 11p15.4.
Variant type: single nucleotide variant.
Coding change: c.1355C>T on transcript NM_003442.6 (MANE Select); coding-DNA position 1355, C replaced by T.
Protein change: p.Ala452Val; replaces alanine 452 with valine.
Molecular consequence: missense variant.
Genome position (GRCh38, 1-based): chr11:9,508,826, C>T. VCF-style: chr11-9508826-C-T. GRCh37 (hg19) VCF-style: chr11-9530373-C-T.
Other names: c.1352C>T, p.Ala451Val (NM_001282656.2); c.1262C>T, p.Ala421Val (NM_001282657.2); short protein forms A421V, A451V, A452V.
Identifiers: ClinVar variation 2206084 (VCV002206084.6), dbSNP rs1040166073, ClinGen allele CA217609150.